The following is an entry in ClinVar:

NM_176884.2(TAS2R43):c.808A>T (p.Ser270Cys)

Genes: PRH1 (proline rich protein HaeIII subfamily 1; minus strand), PRH1-PRR4 (PRH1-PRR4 readthrough; minus strand), PRH1-TAS2R14 (PRH1-TAS2R14 readthrough; minus strand), TAS2R43 (taste 2 receptor member 43; minus strand). Cytogenetic location: 12p13.2.
Variant type: single nucleotide variant.
Coding change: c.808A>T on transcript NM_176884.2 (MANE Select); coding-DNA position 808, A replaced by T.
Protein change: p.Ser270Cys; replaces serine 270 with cysteine.
Molecular consequence: missense variant. On other transcripts: intron variant (3).
Genome position (GRCh38, 1-based): chr12:11,091,422, T>A on the plus strand (A>T on the coding strand, the complement: TAS2R43 is on the minus strand). VCF-style: chr12-11091422-T-A. GRCh37 (hg19) VCF-style: chr12-11244021-T-A.
Other names: c.-133-44234A>T (NM_001291315.2, NM_001316893.2); c.-294-44234A>T (NM_001291314.2); short protein forms S270C.
Identifiers: ClinVar variation 4830469 (VCV004830469.1).

ClinVar aggregate classification (germline): Uncertain significance (1 of 4 stars; one submission).

gnomAD v4.1: 60 of 1,253,190 alleles (0.0048%); highest among the groups gnomAD compares: Non-Finnish European, 0.0068%; 9 homozygotes.

Submission:

Ambry Genetics
Classification: Uncertain significance. Last evaluated: 2026-01-21. Review status: criteria provided, single submitter. Criteria: Ambry Variant Classification Scheme 2023. Collection method: clinical testing. Allele origin: germline.
Comment: The c.808A>T (p.S270C) alteration is located in exon 1 (coding exon 1) of the TAS2R43 gene. This alteration results from a A to T substitution at nucleotide position 808, causing the serine (S) at amino acid position 270 to be replaced by a cysteine (C). Based on data from gnomAD, the T allele has an overall frequency of 0.004% (9/226694) total alleles studied. The highest observed frequency was 0.009% (9/97526) of European (non-Finnish) alleles. Based on insufficient or conflicting evidence, the clinical significance of this alteration remains unclear.